The following is an entry in ClinVar:

NM_001387263.1(PATL2):c.552C>T (p.Asp184=)

Gene: PATL2 (PAT1 homolog 2; minus strand). Cytogenetic location: 15q21.1.
Variant type: single nucleotide variant.
Coding change: c.552C>T on transcript NM_001387263.1 (MANE Select); coding-DNA position 552, C replaced by T.
Protein change: p.Asp184=; no amino-acid change (aspartic acid 184 retained).
Molecular consequence: synonymous variant. On other transcripts: 5 prime UTR variant (1), intron variant (2).
Genome position (GRCh38, 1-based): chr15:44,672,120, G>A on the plus strand (C>T on the coding strand, the complement: PATL2 is on the minus strand). VCF-style: chr15-44672120-G-A. GRCh37 (hg19) VCF-style: chr15-44964318-G-A.
Other names: c.552C>T, p.Asp184= (NM_001145112.2, NM_001387261.1, NM_001387262.1); c.-16C>T (NM_001330283.2); c.564+71C>T (NM_001387260.1, NM_001387264.1).
Identifiers: ClinVar variation 3038941 (VCV003038941.2), dbSNP rs185242322, ClinGen allele CA270095872.

ClinVar aggregate classification (germline): Likely benign (0 of 4 stars; one submission).

Conditions:
PATL2-related disorder. Also called: PATL2-related condition.

Allele frequency attached by ClinVar (database versions not stated): gnomAD exomes 0.00001; gnomAD 0.00005.
gnomAD v4.1: 20 of 1,551,724 alleles (0.0013%); highest among the groups gnomAD compares: African/African-American, 0.027%; no homozygotes.

Submission:

PreventionGenetics, part of Exact Sciences
Classification: Likely benign for PATL2-related condition. Last evaluated: 2019-05-22. Review status: no assertion criteria provided. Collection method: clinical testing. Allele origin: germline.
Comment: This variant is classified as likely benign based on ACMG/AMP sequence variant interpretation guidelines (Richards et al. 2015 PMID: 25741868, with internal and published modifications).